The following is an entry in ClinVar:

NM_000542.5(SFTPB):c.61G>A (p.Gly21Ser)

Gene: SFTPB (surfactant protein B; minus strand). Cytogenetic location: 2p11.2.
Variant type: single nucleotide variant.
Coding change: c.61G>A on transcript NM_000542.5 (MANE Select); coding-DNA position 61, G replaced by A.
Protein change: p.Gly21Ser; replaces glycine 21 with serine.
Molecular consequence: missense variant.
Genome position (GRCh38, 1-based): chr2:85,668,123, C>T on the plus strand (G>A on the coding strand, the complement: SFTPB is on the minus strand). VCF-style: chr2-85668123-C-T. GRCh37 (hg19) VCF-style: chr2-85895246-C-T.
Other names: c.61G>A, p.Gly21Ser (NM_001367281.2, NM_198843.4); short protein forms G21S.
Identifiers: ClinVar variation 1768255 (VCV001768255.2), dbSNP rs1677747290, ClinGen allele CA347493036.

ClinVar aggregate classification (germline): Uncertain significance (1 of 4 stars; one submission).

Conditions:
Hereditary pulmonary alveolar proteinosis. Also called: Pulmonary surfactant metabolism dysfunction. Identifiers: Orphanet 264675, MedGen C3711368, MONDO:0012580.

Allele frequency attached by ClinVar (database versions not stated): gnomAD 0.00001.
gnomAD v4.1: 1 of 1,551,136 alleles (0.000064%); highest among the groups gnomAD compares: African/African-American, 0.0014%; no homozygotes.

Submission:

Ambry Genetics
Classification: Uncertain significance for Hereditary pulmonary alveolar proteinosis. Last evaluated: 2021-12-08. Review status: criteria provided, single submitter. Criteria: Ambry Variant Classification Scheme 2023. Collection method: clinical testing. Allele origin: germline.
Comment: The p.G33S variant (also known as c.97G>A), located in coding exon 1 of the SFTPB gene, results from a G to A substitution at nucleotide position 97. The glycine at codon 33 is replaced by serine, an amino acid with similar properties. This amino acid position is conserved. In addition, this alteration is predicted to be tolerated by in silico analysis. Since supporting evidence is limited at this time, the clinical significance of this alteration remains unclear.